The following is an entry in ClinVar:

ClinVar aggregate classification (germline): Uncertain significance (1 of 4 stars; one submission).

Allele frequency attached by ClinVar (database versions not stated): TOPMed below 0.00001; gnomAD 0.00001.
gnomAD v4.1: 5 of 1,582,132 alleles (0.00032%); highest among the groups gnomAD compares: Admixed American, 0.0017%; no homozygotes.

Submission:

Labcorp Genetics (formerly Invitae), Labcorp
Classification: Uncertain significance. Last evaluated: 2024-01-18. Review status: criteria provided, single submitter. Criteria: Invitae Variant Classification Sherloc (09022015). Collection method: clinical testing. Allele origin: germline.
Comment: This sequence change replaces methionine, which is neutral and non-polar, with isoleucine, which is neutral and non-polar, at codon 255 of the PSMA3 protein (p.Met255Ile). This variant is present in population databases (no rsID available, gnomAD 0.003%). This variant has not been reported in the literature in individuals affected with PSMA3-related conditions. An algorithm developed to predict the effect of missense changes on protein structure and function (PolyPhen-2) suggests that this variant is likely to be tolerated. In summary, the available evidence is currently insufficient to determine the role of this variant in disease. Therefore, it has been classified as a Variant of Uncertain Significance.

NM_002788.4(PSMA3):c.765G>T (p.Met255Ile)

Genes: PSMA3-AS1 (PSMA3 antisense RNA 1; minus strand), PSMA3 (proteasome 20S subunit alpha 3; plus strand). Cytogenetic location: 14q23.1.
Variant type: single nucleotide variant.
Coding change: c.765G>T on transcript NM_002788.4 (MANE Select); coding-DNA position 765, G replaced by T.
Protein change: p.Met255Ile; replaces methionine 255 with isoleucine.
Molecular consequence: missense variant. On other transcripts: non-coding transcript variant (1).
Genome position (GRCh38, 1-based): chr14:58,271,892, G>T. VCF-style: chr14-58271892-G-T. GRCh37 (hg19) VCF-style: chr14-58738610-G-T.
Other names: c.744G>T, p.Met248Ile (NM_152132.3); short protein forms M248I, M255I.
Identifiers: ClinVar variation 2804879 (VCV002804879.3), dbSNP rs1182210612, ClinGen allele CA389854053.